The following is an entry in ClinVar:

NM_001042413.2(GLIS3):c.31C>T (p.His11Tyr)

Gene: GLIS3 (GLIS family zinc finger 3; minus strand). Cytogenetic location: 9p24.2.
Variant type: single nucleotide variant.
Coding change: c.31C>T on transcript NM_001042413.2 (MANE Select); coding-DNA position 31, C replaced by T.
Protein change: p.His11Tyr; replaces histidine 11 with tyrosine.
Molecular consequence: missense variant.
Genome position (GRCh38, 1-based): chr9:4,286,395, G>A on the plus strand (C>T on the coding strand, the complement: GLIS3 is on the minus strand). VCF-style: chr9-4286395-G-A. GRCh37 (hg19) VCF-style: chr9-4286395-G-A.
Other names: short protein forms H11Y.
Identifiers: ClinVar variation 917458 (VCV000917458.3), dbSNP rs773069755, ClinGen allele CA4968730.

ClinVar aggregate classification (germline): Uncertain significance. Review status: criteria provided, multiple submitters, no conflicts (2 of 4 stars). 2 submissions from 2 submitters: Uncertain significance (2). Last evaluated 2024-04-14.

Conditions:
Neonatal diabetes mellitus with congenital hypothyroidism. Also called: NDH SYNDROME. Identifiers: Orphanet 79118, MedGen C1857775, MONDO:0012436, OMIM 610199.
Monogenic diabetes. Identifiers: Orphanet 183625, MedGen C3888631, MONDO:0015967.

Allele frequency attached by ClinVar (database versions not stated): gnomAD 0.00004 and 0.00005; TOPMed 0.00005; gnomAD exomes 0.00010; ExAC 0.00014.
gnomAD v4.1: 115 of 1,614,024 alleles (0.0071%); highest among the groups gnomAD compares: South Asian, 0.06%; no homozygotes.

Submissions (2):

Fulgent Genetics
Classification: Uncertain significance for Neonatal diabetes mellitus with congenital hypothyroidism. Last evaluated: 2024-04-14. Review status: criteria provided, single submitter. Criteria: ACMG Guidelines, 2015. Collection method: clinical testing. Allele origin: germline.

Personalized Diabetes Medicine Program, University of Maryland School of Medicine
Classification: Uncertain significance for Monogenic diabetes. Last evaluated: 2019-01-18. Review status: criteria provided, single submitter. Criteria: ACMG Guidelines, 2015. Collection method: research. Allele origin: unknown. Observed: 1 variant allele, 1 heterozygote.
Comment: ACMG criteria: BP4 (REVEL 0.096 + 6 predictors) = VUS